The following continues an entry in ClinVar:

NM_000540.3(RYR1):c.14210G>A (p.Arg4737Gln)

Gene: RYR1. ClinVar aggregate classification (germline): Pathogenic. Pathogenic (1).

Submissions 7 to 15 of 15:

ARUP Laboratories, Molecular Genetics and Genomics, ARUP Laboratories
Classification: Pathogenic. Last evaluated: 2024-09-20. Review status: criteria provided, single submitter. Criteria: ARUP Molecular Germline Variant Investigation Process 2024. Collection method: clinical testing. Allele origin: germline. Not counted in ClinVar's aggregate classification.
Comment: The RYR1 c.14210G>A; p.Arg4737Gln variant is reported in the literature in several individuals affected with malignant hyperthermia and segregates with disease in families (selected references: Carpenter 2009, Gillies 2008, Knuiman 2019, Miller 2018, Monnier 2005, Robinson 2006). In the majority of cases, a diagnosis of MH was confirmed by a positive in vitro contracture test (IVCT). There is evidence of discordant segregation, which has been observed in at least one phenotype negative/genotype positive individual, and two phenotype positive/genotype negative individuals (Miller 2018). This variant is classified as pathogenic by the ClinGen Malignant Hyperthermia Susceptibility Variant Curation Expert Panel (Variation ID: 133061). Functional studies have indicated that this variant impairs calcium-dependent channel inactivation (Gomez 2016). This variant is also located in a hotspot domain with known pathogenic variants (between residues 4,631 and 4,991), and computational analyses predict that this variant is deleterious (REVEL: 0.89). Based on currently available information this variant is considered to be pathogenic. References: Carpenter D et al. Genetic variation in RYR1 and malignant hyperthermia phenotypes. Br J Anaesth. 2009 Oct;103(4):538-48. PMID: 19648156. Gillies RL et al. Identification of genetic mutations in Australian malignant hyperthermia families using sequencing of RYR1 hotspots. Anaesth Intensive Care. 2008 May;36(3):391-403. PMID: 18564801. Gomez AC et al. Malignant hyperthermia-associated mutations in the S2-S3 cytoplasmic loop of type 1 ryanodine receptor calcium channel impair calcium-dependent inactivation. Am J Physiol Cell Physiol. 2016 Nov 1;311(5):C749-C757. PMID: 27558158 Knuiman GJ et al. The histopathological spectrum of malignant hyperthermia and rhabdomyolysis due to RYR1 mutations. J Neurol. 2019 Apr;266(4):876-887. PMID: 30788618 Miller DM et al. Genetic epidemiology of malignant hyperthermia in the UK. Br J Anaesth. 2018 Oct;121(4):944-952. PMID: 30236257 Monnier N et al. Correlations between genotype and pharmacological, histological, functional, and clinical phenotypes in malignant hyperthermia susceptibility. Hum Mutat. 2005 Nov;26(5):413-25. PMID: 16163667. Robinson R et al. Mutations in RYR1 in malignant hyperthermia and central core disease. Hum Mutat. 2006 Oct;27(10):977-89. PMID: 16917943.

All of Us Research Program, National Institutes of Health
Classification: Pathogenic for Malignant hyperthermia, susceptibility to, 1. Last evaluated: 2024-02-07. Review status: criteria provided, single submitter. Criteria: ACMG Guidelines, 2015. Collection method: clinical testing. Allele origin: germline. Inheritance: Autosomal dominant inheritance. Observed: 2 variant alleles, 2 heterozygotes. Not counted in ClinVar's aggregate classification.
Comment: The c.14210G>A (p.Arg4737Gln) variant of the RYR1 gene replaces arginine with glutamine at codon 4737 of the RYR1 protein (p.Arg4737Gln). This missense change has been observed in more than 10 individuals with personal or family history of a malignant hyperthermia reaction, positive in vitro contracture test (IVCT) or caffeine halothane contracture test (CHCT) (PMID: 16163667, 18564801, 19648156, 25960145). This variant segregates with malignant hyperthermia syndrome (MHS) in more than 6 meioses (PMID:30236257, 18564801). However, in a different family two genotype positive/phenotype negative (IVCT-) individuals were identified. This variant is located at a mutational hot spot region that contributes to MHS (PMID: 21118704). Experimental studies have shown that this missense change affects RYR1 function (PMID: 27558158). Computational prediction (REVEL=0.89 PMID: 27666373) suggests that this variant may have deleterious impact on protein structure and function. Alteration affecting the same amino acid, c.14209C>T (p.Arg4737Trp), was classified as likely pathogenic by the expert panel (ClinVar ID:133060). Therefore, this c.14210G>A (p.Arg4737Gln) variant of RYR1 gene is classified as pathogenic.

This study involves interpretation of variants in research participants for the purpose of population health screening. Participant phenotype was not available at the time of variant classification. Additional details can be found in publication PMID: 35346344, PMCID: PMC8962531

Color Diagnostics, LLC DBA Color Health
Classification: Pathogenic for Malignant hyperthermia, susceptibility to, 1. Last evaluated: 2023-09-05. Review status: criteria provided, single submitter. Criteria: ACMG Guidelines, 2015. Collection method: clinical testing. Allele origin: germline. Not counted in ClinVar's aggregate classification.
Comment: This variant replaces arginine with glutamine at codon 4737 of the RYR1 protein. Computational prediction suggests that this variant may have deleterious impact on protein structure and function (internally defined REVEL score threshold >= 0.7, PMID: 27666373). This variant is located in a region of the RYR1 protein considered to be a hotspot for pathogenic variants that contribute to malignant hyperthermia susceptibility (PMID: 21118704). A functional study has shown the mutant protein to exhibit hypersensitivity to an RYR1 agonist in calcium release assays (PMID: 36208971). This variant has been reported in over ten unrelated individuals affected with malignant hyperthermia susceptibility (PMID: 16163667, 18564801, 24433488, 30236257, 36208971). This variant has been shown to segregate with malignant hyperthermia susceptibility in 6 meioses in one family (PMID:18564801) and reported to segregate with disease in additional families (PMID: 30236257). Two related individuals who carry this variant have been reported to test negative in in vitro contracture tests (PMID: 30236257). This variant has been identified in 1/251402 chromosomes in the general population by the Genome Aggregation Database (gnomAD). A different missense variant occurring at the same codon, p.Arg4737Trp, is known to be associated with malignant hyperthermia susceptibility (ClinVar variation ID: 133060), indicating that arginine at this position is important for RYR1 protein function. Based on the available evidence, this variant is classified as Pathogenic.

Labcorp Genetics (formerly Invitae), Labcorp
Classification: Pathogenic for RYR1-related disorder. Last evaluated: 2023-05-22. Review status: criteria provided, single submitter. Criteria: Invitae Variant Classification Sherloc (09022015). Collection method: clinical testing. Allele origin: germline. Not counted in ClinVar's aggregate classification.
Comment: For these reasons, this variant has been classified as Pathogenic. Experimental studies have shown that this missense change affects RYR1 function (PMID: 27558158). Advanced modeling of protein sequence and biophysical properties (such as structural, functional, and spatial information, amino acid conservation, physicochemical variation, residue mobility, and thermodynamic stability) performed at Invitae indicates that this missense variant is expected to disrupt RYR1 protein function. ClinVar contains an entry for this variant (Variation ID: 133061). This missense change has been observed in individuals with malignant hyperthermia (PMID: 16163667, 18564801, 19648156, 25960145). This variant is present in population databases (rs193922868, gnomAD 0.0009%). This sequence change replaces arginine, which is basic and polar, with glutamine, which is neutral and polar, at codon 4737 of the RYR1 protein (p.Arg4737Gln).

Fulgent Genetics
Classification: Likely pathogenic for Central core myopathy; Malignant hyperthermia, susceptibility to, 1; Congenital myopathy 4A, autosomal dominant; Congenital multicore myopathy with external ophthalmoplegia; King Denborough syndrome. Last evaluated: 2021-07-14. Review status: criteria provided, single submitter. Criteria: ACMG Guidelines, 2015. Collection method: clinical testing. Allele origin: unknown. Not counted in ClinVar's aggregate classification.

Greenwood Genetic Center Diagnostic Laboratories, Greenwood Genetic Center
Classification: Pathogenic. Last evaluated: 2020-11-16. Review status: criteria provided, single submitter. Criteria: ACMG Guidelines, 2015. Collection method: clinical testing. Allele origin: germline. Not counted in ClinVar's aggregate classification.
Comment: PS3, PP3, PM1, PM2, PM5

Revvity Omics, Revvity
Classification: Pathogenic. Last evaluated: 2019-03-25. Review status: criteria provided, single submitter. Criteria: ACMG Guidelines, 2015. Collection method: clinical testing. Allele origin: germline. Not counted in ClinVar's aggregate classification.

PreventionGenetics, part of Exact Sciences
Classification: Pathogenic. Last evaluated: 2019-02-19. Review status: criteria provided, single submitter. Criteria: ACMG Guidelines, 2015. Collection method: clinical testing. Allele origin: germline. Not counted in ClinVar's aggregate classification.

RYR1 database
No classification provided. Review status: no classification provided. Collection method: not provided. Allele origin: unknown. Not counted in ClinVar's aggregate classification.

Literature cited by the submitters: PubMed 36208971 (cited by 3 submitters); PubMed 30236257 (cited by 4 submitters); PubMed 16163667 (cited by 5 submitters); PubMed 18564801 (cited by 5 submitters); PubMed 24433488 (cited by OLLIN Analises Genomicas, OLLIN and Color Diagnostics, LLC DBA Color Health); PubMed 21118704 (cited by 4 submitters); PubMed 27855725 (cited by Victorian Clinical Genetics Services, Murdoch Childrens Research Institute); PubMed 23919265 (cited by Victorian Clinical Genetics Services, Murdoch Childrens Research Institute); PubMed 33767344 (cited by Victorian Clinical Genetics Services, Murdoch Childrens Research Institute); PubMed 27558158 (cited by 3 submitters); PubMed 19648156 (cited by 3 submitters); PubMed 25960145 (cited by All of Us Research Program, National Institutes of Health and Labcorp Genetics (formerly Invitae), Labcorp).